The following is an entry in ClinVar:

NM_000124.4(ERCC6):c.2365C>G (p.Leu789Val)

Gene: ERCC6 (ERCC excision repair 6, chromatin remodeling factor; minus strand). Cytogenetic location: 10q11.23.
Variant type: single nucleotide variant.
Coding change: c.2365C>G on transcript NM_000124.4 (MANE Select); coding-DNA position 2365, C replaced by G.
Protein change: p.Leu789Val; replaces leucine 789 with valine.
Molecular consequence: missense variant.
Genome position (GRCh38, 1-based): chr10:49,476,232, G>C on the plus strand (C>G on the coding strand, the complement: ERCC6 is on the minus strand). VCF-style: chr10-49476232-G-C. GRCh37 (hg19) VCF-style: chr10-50684278-G-C.
Other names: c.2365C>G (NM_000124.2); c.2365C>G, p.Leu789Val (NM_001346440.2); short protein forms L789V.
Identifiers: ClinVar variation 300068 (VCV000300068.9), dbSNP rs139913322, ClinGen allele CA5495685.

ClinVar aggregate classification (germline): Uncertain significance. Review status: criteria provided, multiple submitters, no conflicts (2 of 4 stars). 5 submissions from 3 submitters: Uncertain significance (5). Last evaluated 2024-12-16.

Conditions:
Inborn genetic diseases. Identifiers: MedGen C0950123, MeSH D030342.
Age related macular degeneration 5. Identifiers: MedGen C3151063, MONDO:0013409, OMIM 613761.
Cockayne syndrome type 2 (CSB). Also called: Cockayne Syndrome, Type II; COCKAYNE SYNDROME B. Identifiers: Orphanet 191, Orphanet 90322, MedGen C0751038, MONDO:0019570, OMIM 133540.
Cerebrooculofacioskeletal syndrome 1 (COFS1). Also called: Cerebro-oculo-facio-skeletal syndrome 1. Identifiers: MedGen C0220722, MONDO:0008955, OMIM 214150.

Allele frequency attached by ClinVar (database versions not stated): TOPMed 0.00005; gnomAD 0.00006; ESP Exome Variant Server 0.00008; gnomAD exomes 0.00008 and 0.00010; ExAC 0.00010.

Submissions (5):

Labcorp Genetics (formerly Invitae), Labcorp
Classification: Uncertain significance. Last evaluated: 2024-12-16. Review status: criteria provided, single submitter. Criteria: Invitae Variant Classification Sherloc (09022015). Collection method: clinical testing. Allele origin: germline.
Comment: This sequence change replaces leucine, which is neutral and non-polar, with valine, which is neutral and non-polar, at codon 789 of the ERCC6 protein (p.Leu789Val). This variant is present in population databases (rs139913322, gnomAD 0.02%). This missense change has been observed in individual(s) with primary ovarian insufficiency (PMID: 36099812). ClinVar contains an entry for this variant (Variation ID: 300068). Invitae Evidence Modeling of protein sequence and biophysical properties (such as structural, functional, and spatial information, amino acid conservation, physicochemical variation, residue mobility, and thermodynamic stability) has been performed for this missense variant. However, the output from this modeling did not meet the statistical confidence thresholds required to predict the impact of this variant on ERCC6 protein function. In summary, the available evidence is currently insufficient to determine the role of this variant in disease. Therefore, it has been classified as a Variant of Uncertain Significance.

Ambry Genetics
Classification: Uncertain significance for Inborn genetic diseases. Last evaluated: 2021-10-12. Review status: criteria provided, single submitter. Criteria: Ambry Variant Classification Scheme 2023. Collection method: clinical testing. Allele origin: germline.

Illumina Laboratory Services, Illumina
Classification: Uncertain significance for Cerebrooculofacioskeletal syndrome 1. Last evaluated: 2018-01-13. Review status: criteria provided, single submitter. Criteria: ICSL Variant Classification Criteria 13 December 2019. Collection method: clinical testing. Allele origin: germline.

Illumina Laboratory Services, Illumina
Classification: Uncertain significance for Cockayne syndrome type 2. Last evaluated: 2018-01-13. Review status: criteria provided, single submitter. Criteria: ICSL Variant Classification Criteria 13 December 2019. Collection method: clinical testing. Allele origin: germline.

Illumina Laboratory Services, Illumina
Classification: Uncertain significance for Age related macular degeneration 5. Last evaluated: 2018-01-13. Review status: criteria provided, single submitter. Criteria: ICSL Variant Classification Criteria 13 December 2019. Collection method: clinical testing. Allele origin: germline.

Literature cited by the submitters: PubMed 36099812 (cited by Labcorp Genetics (formerly Invitae), Labcorp).